The following is an entry in ClinVar:

ClinVar aggregate classification (germline): Uncertain significance (1 of 4 stars; one submission).

Allele frequency attached by ClinVar (database versions not stated): TOPMed 0.00001.
gnomAD v4.1: 13 of 1,614,002 alleles (0.00081%); highest among the groups gnomAD compares: Non-Finnish European, 0.0011%; no homozygotes.

Submission:

Labcorp Genetics (formerly Invitae), Labcorp
Classification: Uncertain significance. Last evaluated: 2022-03-19. Review status: criteria provided, single submitter. Criteria: Invitae Variant Classification Sherloc (09022015). Collection method: clinical testing. Allele origin: germline.
Comment: This variant has not been reported in the literature in individuals affected with PCARE-related conditions. This variant is not present in population databases (gnomAD no frequency). This sequence change replaces glutamine, which is neutral and polar, with glutamic acid, which is acidic and polar, at codon 341 of the PCARE protein (p.Gln341Glu). Algorithms developed to predict the effect of missense changes on protein structure and function (SIFT, PolyPhen-2, Align-GVGD) all suggest that this variant is likely to be tolerated. In summary, the available evidence is currently insufficient to determine the role of this variant in disease. Therefore, it has been classified as a Variant of Uncertain Significance.

NM_001029883.3(PCARE):c.1021C>G (p.Gln341Glu)

Gene: PCARE (photoreceptor cilium actin regulator; minus strand). Cytogenetic location: 2p23.2.
Variant type: single nucleotide variant.
Coding change: c.1021C>G on transcript NM_001029883.3 (MANE Select); coding-DNA position 1021, C replaced by G.
Protein change: p.Gln341Glu; replaces glutamine 341 with glutamic acid.
Molecular consequence: missense variant.
Genome position (GRCh38, 1-based): chr2:29,073,241, G>C on the plus strand (C>G on the coding strand, the complement: PCARE is on the minus strand). VCF-style: chr2-29073241-G-C. GRCh37 (hg19) VCF-style: chr2-29296107-G-C.
Other names: short protein forms Q341E.
Identifiers: ClinVar variation 1511442 (VCV001511442.6), dbSNP rs1667525301, ClinGen allele CA346481070.
Genomic context (GRCh38, chr2:29,073,241, plus strand): 5'-ACTGCACGGACTCATTGTCAGCACCAATGCCACTGTCCTCAGAGCATAAGGGGAGACCCT[G>C]CACCCCAGGGTCGCCACAGCCACTCGCCAGGCTCTCTAGCTGCCTCAGAGCCCTCAGGAG-3'
Protein context (NP_001025054.1, residues 331-351): LASGCGDPGV[Gln341Glu]GLPLCSEDSG